The following is an entry in ClinVar:

NM_198576.4(AGRN):c.880G>A (p.Gly294Ser)

Gene: AGRN (agrin; plus strand). Cytogenetic location: 1p36.33.
Variant type: single nucleotide variant.
Coding change: c.880G>A on transcript NM_198576.4 (MANE Select); coding-DNA position 880, G replaced by A.
Protein change: p.Gly294Ser; replaces glycine 294 with serine.
Molecular consequence: missense variant.
Genome position (GRCh38, 1-based): chr1:1,041,325, G>A. VCF-style: chr1-1041325-G-A. GRCh37 (hg19) VCF-style: chr1-976705-G-A.
Other names: c.880G>A, p.Gly294Ser (NM_001305275.2); c.565G>A, p.Gly189Ser (NM_001364727.2); short protein forms G189S, G294S.
Identifiers: ClinVar variation 663878 (VCV000663878.8), dbSNP rs947705663, ClinGen allele CA16751280.
Genomic context (GRCh38, chr1:1,041,325, plus strand): 5'-GCGACCTGCCGTGGCGCCCCCGAGGGGACCGTCTGCGGCAGCGACGGCGCCGACTACCCC[G>A]GCGAGTGCCAGCTCCTGCGCCGCGCCTGCGCCCGCCAGGAGAATGTCTTCAAGAAGTTCG-3'
Protein context (NP_940978.2, residues 284-304): VCGSDGADYP[Gly294Ser]ECQLLRRACA

ClinVar aggregate classification (germline): Conflicting classifications of pathogenicity. Review status: criteria provided, conflicting classifications (1 of 4 stars). 3 submissions from 3 submitters: Uncertain significance (2); Likely benign (1). Last evaluated 2025-11-05.

Conditions:
Inborn genetic diseases. Identifiers: MedGen C0950123, MeSH D030342.
Congenital myasthenic syndrome 8. Also called: MYASTHENIC SYNDROME, CONGENITAL, DUE TO AGRIN DEFICIENCY; Myasthenic syndrome, congenital, 8, with pre- and postsynaptic defects. Identifiers: Orphanet 590, MedGen C3808739, MONDO:0014052, OMIM 615120.

Allele frequency attached by ClinVar (database versions not stated): TOPMed 0.00004; gnomAD 0.00001; gnomAD exomes 0.00004.

Submissions (3):

Ambry Genetics
Classification: Likely benign for Inborn genetic diseases. Last evaluated: 2025-11-05. Review status: criteria provided, single submitter. Criteria: Ambry Variant Classification Scheme 2023. Collection method: clinical testing. Allele origin: germline.

Fulgent Genetics
Classification: Uncertain significance for Congenital myasthenic syndrome 8. Last evaluated: 2024-05-15. Review status: criteria provided, single submitter. Criteria: ACMG Guidelines, 2015. Collection method: clinical testing. Allele origin: germline.

Labcorp Genetics (formerly Invitae), Labcorp
Classification: Uncertain significance for Congenital myasthenic syndrome 8. Last evaluated: 2022-05-03. Review status: criteria provided, single submitter. Criteria: Invitae Variant Classification Sherloc (09022015). Collection method: clinical testing. Allele origin: germline.
Comment: This sequence change replaces glycine, which is neutral and non-polar, with serine, which is neutral and polar, at codon 294 of the AGRN protein (p.Gly294Ser). The frequency data for this variant in the population databases is considered unreliable, as metrics indicate poor data quality at this position in the gnomAD database. This variant has not been reported in the literature in individuals affected with AGRN-related conditions. ClinVar contains an entry for this variant (Variation ID: 663878). Algorithms developed to predict the effect of missense changes on protein structure and function output the following: SIFT: "Tolerated"; PolyPhen-2: "Probably Damaging"; Align-GVGD: "Class C0". The serine amino acid residue is found in multiple mammalian species, which suggests that this missense change does not adversely affect protein function. Algorithms developed to predict the effect of sequence changes on RNA splicing suggest that this variant may create or strengthen a splice site. In summary, the available evidence is currently insufficient to determine the role of this variant in disease. Therefore, it has been classified as a Variant of Uncertain Significance.